The following is an entry in ClinVar:

ClinVar aggregate classification (germline): Likely pathogenic (1 of 4 stars; one submission).

Conditions:
Basal cell nevus syndrome 1 (BCNS1). Also called: GORLIN-GOLTZ SYNDROME; MULTIPLE BASAL CELL NEVI, ODONTOGENIC KERATOCYSTS, AND SKELETAL ANOMALIES. Identifiers: MedGen CN376810, MONDO:0958174, OMIM 109400.

Submission:

Laboratorio de Biologia Molecular/Medicina Genomica - IFF/Fiocruz, Instituto Fernandes Figueira, Fundacao Oswaldo Cruz
Classification: Likely pathogenic for Basal cell nevus syndrome 1. Last evaluated: 2025-09-01. Review status: criteria provided, single submitter. Criteria: ACMG Guidelines, 2015. Collection method: clinical testing. Allele origin: germline. Affected: yes. Observed: 1 variant allele.
Comment: Variant: c.605del (p.Leu202Cysfs*18) in exon 4 of the PTCH1 gene. Protein effect: Frameshift variant predicted to undergo NMD in a gene where LoF is a known mechanism of disease. Population database (gnomAD): Absent. ACMG/AMP criteria applied: PVS1, PM2_Supporting.

NM_000264.5(PTCH1):c.605del (p.Leu202fs)

Gene: PTCH1 (patched 1; minus strand). Cytogenetic location: 9q22.32.
Variant type: Deletion.
Coding change: c.605del on transcript NM_000264.5 (MANE Select); coding-DNA position 605, one base deleted (T; older notation c.605delT).
Protein change: p.Leu202fs; shifts the reading frame from leucine 202.
Molecular consequence: frameshift variant. On other transcripts: non-coding transcript variant (1).
Genome position (GRCh38, 1-based): chr9:95,482,183, A deleted on the plus strand (T on the coding strand, the reverse complement: PTCH1 is on the minus strand); the first of 3 consecutive A bases (chr9:95,482,183-95,482,185); deleting any one gives the same sequence. VCF-style (leftmost placement, unchanged base first): chr9-95482182-CA-C. GRCh37 (hg19) VCF-style: chr9-98244464-CA-C.
Other names: c.407del, p.Leu136fs (NM_001083602.3, NM_001354919.2); c.602del, p.Leu201fs (NM_001083603.3); c.152del, p.Leu51fs (NM_001083604.3, NM_001083605.3, NM_001083606.3 and 1 more transcripts); c.605del, p.Leu202fs (NM_001354918.2); short protein forms L136fs, L201fs, L202fs, L51fs.
Identifiers: ClinVar variation 4795199 (VCV004795199.1).
Genomic context (GRCh38, chr9:95,482,182, plus strand): 5'-AAGAAAATATACCTGATCCATGTAACCTGTTTCTGTGATAAGCTCTCCTGATTTGTAACA[CA>C]AATGTTCCAATTTCCACTGCCTAATAAAATGAAAAGCAGAGACAAAAATTTCTCACTGTA-3'